The following is an entry in ClinVar:

NM_000046.5(ARSB):c.499+16_499+17del

Gene: ARSB (arylsulfatase B; minus strand). Cytogenetic location: 5q14.1.
Variant type: Deletion.
Coding change: c.499+16_499+17del on transcript NM_000046.5 (MANE Select); bases 16 to 17 of the intron after coding-DNA position 499, 2 bases deleted (AT; older notation c.499+16_499+17delAT).
Molecular consequence: intron variant.
Genome position (GRCh38, 1-based): chr5:78,968,989-78,968,990, AT deleted on the plus strand (AT on the coding strand, the reverse complement: ARSB is on the minus strand). VCF-style (leftmost placement, unchanged base first): chr5-78968988-CAT-C. GRCh37 (hg19) VCF-style: chr5-78264811-CAT-C.
Other names: p.?; c.499+16_499+17del (NM_198709.3).
Identifiers: ClinVar variation 2707042 (VCV002707042.4), dbSNP rs771587875, ClinGen allele CA3318253.
Genomic context (GRCh38, chr5:78,968,988, plus strand): 5'-TTGATTGCACTTGGGTGTGTTTTATGAGATGGCTGCAGTTAGTCTAAGTTGTTAAAGAAA[CAT>C]GTGCATTTCCATTACCAAAGTAGGTATCAAATCCTCGGCGGGTTGGAAGGCATTCTTTCC-3'

ClinVar aggregate classification (germline): Likely benign. Review status: criteria provided, multiple submitters, no conflicts (2 of 4 stars). 2 submissions from 2 submitters: Likely benign (2). Last evaluated 2025-08-25.

Conditions:
Mucopolysaccharidosis type 6 (MPS6). Also called: N-ACETYLGALACTOSAMINE-4-SULFATASE DEFICIENCY; MPS 6; Maroteaux Lamy syndrome; ARSB DEFICIENCY; ARYLSULFATASE B DEFICIENCY; MPS VI. Identifiers: Orphanet 583, MedGen C0026709, MONDO:0009661, OMIM 253200.

Allele frequency attached by ClinVar (database versions not stated): ExAC 0.00003; TOPMed 0.00004; gnomAD 0.00006; gnomAD exomes 0.00006; 1000 Genomes Project 30x 0.00031.

Submissions (2):

Mayo Clinic Laboratories, Mayo Clinic
Classification: Likely benign. Last evaluated: 2025-08-25. Review status: criteria provided, single submitter. Criteria: ACMG Guidelines, 2015. Collection method: clinical testing. Allele origin: germline. Observed: 1 variant allele.
Comment: BP4, BP7

Labcorp Genetics (formerly Invitae), Labcorp
Classification: Likely benign for Mucopolysaccharidosis type 6. Last evaluated: 2025-03-17. Review status: criteria provided, single submitter. Criteria: Invitae Variant Classification Sherloc (09022015). Collection method: clinical testing. Allele origin: germline.